The following is an entry in ClinVar:

ClinVar aggregate classification (germline): Likely benign. Review status: criteria provided, multiple submitters, no conflicts (2 of 4 stars). 3 submissions from 3 submitters: Likely benign (3). Last evaluated 2026-01-21.

Conditions:
PAX5-related disorder. Also called: PAX5-related condition.
Inborn genetic diseases. Identifiers: MedGen C0950123, MeSH D030342.

gnomAD v4.1: 263 of 1,614,130 alleles (0.016%); highest among the groups gnomAD compares: Non-Finnish European, 0.02%; no homozygotes.

Submissions (3):

Labcorp Genetics (formerly Invitae), Labcorp
Classification: Likely benign. Last evaluated: 2026-01-21. Review status: criteria provided, single submitter. Criteria: Invitae Variant Classification Sherloc (09022015). Collection method: clinical testing. Allele origin: germline.

PreventionGenetics, part of Exact Sciences
Classification: Likely benign for PAX5-related condition. Last evaluated: 2025-11-24. Review status: criteria provided, single submitter. Criteria: ACMG Guidelines, 2015. Collection method: clinical testing. Allele origin: germline.
Comment: This variant is classified as likely benign based on ACMG/AMP sequence variant interpretation guidelines (Richards et al. 2015 PMID: 25741868, with internal and published modifications).

Ambry Genetics
Classification: Likely benign for Inborn genetic diseases. Last evaluated: 2024-11-17. Review status: criteria provided, single submitter. Criteria: Ambry Variant Classification Scheme 2023. Collection method: clinical testing. Allele origin: germline.

NM_016734.3(PAX5):c.708G>A (p.Val236=)

Gene: PAX5 (paired box 5; minus strand). Cytogenetic location: 9p13.2.
Variant type: single nucleotide variant.
Coding change: c.708G>A on transcript NM_016734.3 (MANE Select); coding-DNA position 708, G replaced by A.
Protein change: p.Val236=; no amino-acid change (valine 236 retained).
Molecular consequence: synonymous variant. On other transcripts: non-coding transcript variant (2).
Genome position (GRCh38, 1-based): chr9:36,966,621, C>T on the plus strand (G>A on the coding strand, the complement: PAX5 is on the minus strand). VCF-style: chr9-36966621-C-T. GRCh37 (hg19) VCF-style: chr9-36966618-C-T.
Other names: c.708G>A (NM_016734.2); c.708G>A, p.Val236= (NM_001280547.2, NM_001280548.2, NM_001280549.2 and 2 more transcripts); c.384G>A, p.Val128= (NM_001280551.2, NM_001280556.2); c.579G>A, p.Val193= (NM_001280553.2, NM_001280554.2); c.510G>A, p.Val170= (NM_001280555.2).
Identifiers: ClinVar variation 3414515 (VCV003414515.4).